The following is an entry in ClinVar:

NM_004656.4(BAP1):c.1714C>A (p.Pro572Thr)

Gene: BAP1 (BRCA1 associated deubiquitinase 1; minus strand). Cytogenetic location: 3p21.1.
Variant type: single nucleotide variant.
Coding change: c.1714C>A on transcript NM_004656.4 (MANE Select); coding-DNA position 1714, C replaced by A.
Protein change: p.Pro572Thr; replaces proline 572 with threonine.
Molecular consequence: missense variant.
Genome position (GRCh38, 1-based): chr3:52,403,431, G>T on the plus strand (C>A on the coding strand, the complement: BAP1 is on the minus strand). VCF-style: chr3-52403431-G-T. GRCh37 (hg19) VCF-style: chr3-52437447-G-T.
Other names: short protein forms P572T.
Identifiers: ClinVar variation 629870 (VCV000629870.11), dbSNP rs1553644803, ClinGen allele CA353099607.

ClinVar aggregate classification (germline): Conflicting classifications of pathogenicity. Review status: criteria provided, conflicting classifications (1 of 4 stars). 3 submissions from 3 submitters: Uncertain significance (2); Benign (1). Last evaluated 2025-07-18.

Conditions:
Hereditary cancer-predisposing syndrome. Also called: Neoplastic Syndromes, Hereditary; Tumor predisposition; Hereditary neoplastic syndrome; Hereditary Cancer Syndrome. Identifiers: Orphanet 140162, MedGen C0027672, MeSH D009386, MONDO:0015356.
BAP1-related tumor predisposition syndrome (TPDS1). Also called: Tumor susceptibility linked to germline BAP1 mutations; BAP1 tumor predisposition syndrome; TUMOR PREDISPOSITION SYNDROME 1; COMMON Syndrome. Identifiers: Orphanet 289539, MedGen C3280492, MONDO:0013692, OMIM 614327.

Submissions (3):

Ambry Genetics
Classification: Benign for Hereditary cancer-predisposing syndrome. Last evaluated: 2025-07-18. Review status: criteria provided, single submitter. Criteria: Ambry Variant Classification Scheme 2023. Collection method: clinical testing. Allele origin: germline.

Labcorp Genetics (formerly Invitae), Labcorp
Classification: Uncertain significance for BAP1-related tumor predisposition syndrome. Last evaluated: 2025-05-14. Review status: criteria provided, single submitter. Criteria: Invitae Variant Classification Sherloc (09022015). Collection method: clinical testing. Allele origin: germline.
Comment: This sequence change replaces proline, which is neutral and non-polar, with threonine, which is neutral and polar, at codon 572 of the BAP1 protein (p.Pro572Thr). This variant is not present in population databases (gnomAD no frequency). This variant has not been reported in the literature in individuals affected with BAP1-related conditions. ClinVar contains an entry for this variant (Variation ID: 629870). Invitae Evidence Modeling of protein sequence and biophysical properties (such as structural, functional, and spatial information, amino acid conservation, physicochemical variation, residue mobility, and thermodynamic stability) indicates that this missense variant is not expected to disrupt BAP1 protein function with a negative predictive value of 80%. In summary, the available evidence is currently insufficient to determine the role of this variant in disease. Therefore, it has been classified as a Variant of Uncertain Significance.

Color Diagnostics, LLC DBA Color Health
Classification: Uncertain significance for Hereditary cancer-predisposing syndrome. Last evaluated: 2024-03-06. Review status: criteria provided, single submitter. Criteria: ACMG Guidelines, 2015. Collection method: clinical testing. Allele origin: germline.
Comment: This missense variant replaces proline with threonine at codon 572 of the BAP1 protein. Computational prediction suggests that this variant may not impact protein structure and function (internally defined REVEL score threshold <= 0.5, PMID: 27666373). To our knowledge, functional studies have not been reported for this variant. This variant has not been reported in individuals affected with hereditary cancer in the literature. This variant has not been identified in the general population by the Genome Aggregation Database (gnomAD). The available evidence is insufficient to determine the role of this variant in disease conclusively. Therefore, this variant is classified as a Variant of Uncertain Significance.

Literature cited by the submitters: PubMed 38969833 (cited by Ambry Genetics).